The following is an entry in ClinVar:

NM_004991.4(MECOM):c.3129C>A (p.Asn1043Lys)

Gene: MECOM (MDS1 and EVI1 complex locus; minus strand). Cytogenetic location: 3q26.2.
Variant type: single nucleotide variant.
Coding change: c.3129C>A on transcript NM_004991.4 (MANE Select); coding-DNA position 3129, C replaced by A.
Protein change: p.Asn1043Lys; replaces asparagine 1043 with lysine.
Molecular consequence: missense variant.
Genome position (GRCh38, 1-based): chr3:169,092,993, G>T on the plus strand (C>A on the coding strand, the complement: MECOM is on the minus strand). VCF-style: chr3-169092993-G-T. GRCh37 (hg19) VCF-style: chr3-168810781-G-T.
Other names: c.2760C>A, p.Asn920Lys (NM_001105077.4); c.2565C>A, p.Asn855Lys (NM_001105078.4, NM_001205194.2, NM_001366469.2 and 1 more transcripts); c.2541C>A, p.Asn847Lys (NM_001163999.2, NM_001366470.2); c.2538C>A, p.Asn846Lys (NM_001164000.2, NM_001366471.2, NM_001366472.2); c.3102C>A, p.Asn1034Lys (NM_001366466.2); c.2568C>A, p.Asn856Lys (NM_001366467.2, NM_001366468.2); c.2130C>A, p.Asn710Lys (NM_001366473.2); c.1566C>A, p.Asn522Lys (NM_001366474.2); short protein forms N1034K, N710K, N856K, N522K, N1043K, N846K, N847K, N855K.
Identifiers: ClinVar variation 3871758 (VCV003871758.1).

ClinVar aggregate classification (germline): Uncertain significance (1 of 4 stars; one submission).

Conditions:
Inborn genetic diseases. Identifiers: MedGen C0950123, MeSH D030342.

Submission:

Ambry Genetics
Classification: Uncertain significance for Inborn genetic diseases. Last evaluated: 2025-01-27. Review status: criteria provided, single submitter. Criteria: Ambry Variant Classification Scheme 2023. Collection method: clinical testing. Allele origin: germline.
Comment: The p.N1043K variant (also known as c.3129C>A), located in coding exon 14 of the MECOM gene, results from a C to A substitution at nucleotide position 3129. The asparagine at codon 1043 is replaced by lysine, an amino acid with similar properties. This amino acid position is conserved. In addition, this alteration is predicted to be tolerated by in silico analysis. Based on the available evidence, the clinical significance of this variant remains unclear.